The following is an entry in ClinVar:

NM_001348716.2(KDM6B):c.4118T>C (p.Met1373Thr)

Genes: KDM6B (lysine demethylase 6B; plus strand), LOC121587574 (Sharpr-MPRA regulatory region 3930; plus strand). Cytogenetic location: 17p13.1.
Variant type: single nucleotide variant.
Coding change: c.4118T>C on transcript NM_001348716.2 (MANE Select); coding-DNA position 4118, T replaced by C.
Protein change: p.Met1373Thr; replaces methionine 1373 with threonine.
Molecular consequence: missense variant.
Genome position (GRCh38, 1-based): chr17:7,851,749, T>C. VCF-style: chr17-7851749-T-C. GRCh37 (hg19) VCF-style: chr17-7755067-T-C.
Other names: c.4118T>C, p.Met1373Thr (NM_001080424.2); c.4118T>C (NM_001080424.1); short protein forms M1373T.
Identifiers: ClinVar variation 1704432 (VCV001704432.18), dbSNP rs2544533271, ClinGen allele CA397927006.

ClinVar aggregate classification (germline): Pathogenic. Review status: criteria provided, single submitter (1 of 4 stars). 2 submissions from 2 submitters: Pathogenic (1). 1 of the submissions does not count toward it. Last evaluated 2024-01-31.

Conditions:
Neurodevelopmental disorder with coarse facies and mild distal skeletal abnormalities. Also called: STOLERMAN NEURODEVELOPMENTAL SYNDROME. Identifiers: MedGen C5193134, MONDO:0032790, OMIM 618505.

Submissions (2):

GeneDx
Classification: Pathogenic. Last evaluated: 2024-01-31. Review status: criteria provided, single submitter. Criteria: GeneDx Variant Classification Process June 2021. Collection method: clinical testing. Allele origin: germline. Affected: yes.
Comment: Not observed at significant frequency in large population cohorts (gnomAD); In silico analysis supports that this missense variant has a deleterious effect on protein structure/function; This variant is associated with the following publications: (PMID: 37196654)

Joint Genome Diagnostic Labs from Nijmegen and Maastricht, Radboudumc and MUMC+
Classification: Likely pathogenic for Neurodevelopmental disorder with coarse facies and mild distal skeletal abnormalities. Last evaluated: 2022-09-09. Review status: no assertion criteria provided. Collection method: research. Allele origin: de novo. Affected: yes. Not counted in ClinVar's aggregate classification.